The following is an entry in ClinVar:

ClinVar aggregate classification (germline): Conflicting classifications of pathogenicity. Review status: criteria provided, conflicting classifications (1 of 4 stars). 2 submissions from 2 submitters: Uncertain significance (1); Benign (1). Last evaluated 2026-05-14.

Conditions:
FG syndrome (FGS). Identifiers: MedGen C0220769, MONDO:0002010.
Familial thoracic aortic aneurysm and aortic dissection (TAAD). Also called: Thoracic aortic aneurysms and dissections. Identifiers: Orphanet 91387, MedGen C4707243, MONDO:0019625.

Allele frequency attached by ClinVar (database versions not stated): gnomAD exomes 0.00001 and below 0.00001; gnomAD 0.00001; TOPMed 0.00001.
gnomAD v4.1: 3 of 1,207,978 alleles (0.00025%); highest among the groups gnomAD compares: African/African-American, 0.0053%; no homozygotes.

Submissions (2):

Ambry Genetics
Classification: Uncertain significance for Familial thoracic aortic aneurysm and aortic dissection. Last evaluated: 2026-05-14. Review status: criteria provided, single submitter. Criteria: Ambry Variant Classification Scheme 2023. Collection method: clinical testing. Allele origin: germline.
Comment: The p.G1923V variant (also known as c.5768G>T), located in coding exon 40 of the MED12 gene, results from a G to T substitution at nucleotide position 5768. The glycine at codon 1923 is replaced by valine, an amino acid with dissimilar properties. This amino acid position is conserved. In addition, this alteration is predicted to be tolerated by in silico analysis. Based on the available evidence, the clinical significance of this variant remains unclear.

Labcorp Genetics (formerly Invitae), Labcorp
Classification: Benign for FG syndrome. Last evaluated: 2025-12-24. Review status: criteria provided, single submitter. Criteria: Invitae Variant Classification Sherloc (09022015). Collection method: clinical testing. Allele origin: germline.

NM_005120.3(MED12):c.5768G>T (p.Gly1923Val)

Gene: MED12 (mediator complex subunit 12; plus strand). Cytogenetic location: Xq13.1.
Variant type: single nucleotide variant.
Coding change: c.5768G>T on transcript NM_005120.3 (MANE Select); coding-DNA position 5768, G replaced by T.
Protein change: p.Gly1923Val; replaces glycine 1923 with valine.
Molecular consequence: missense variant.
Genome position (GRCh38, 1-based): chrX:71,137,577, G>T. VCF-style: chrX-71137577-G-T. GRCh37 (hg19) VCF-style: chrX-70357427-G-T.
Other names: c.5768G>T (NM_005120.2); short protein forms G1923V.
Identifiers: ClinVar variation 1509385 (VCV001509385.8), dbSNP rs1046757174, ClinGen allele CA330983787.
Genomic context (GRCh38, chrX:71,137,577, plus strand): 5'-AGCATTTCCTGAGTTTGAGTTGTTCTCTTTTCTCCCTTTAGCAGAGTCAGGGCATGTTGG[G>T]ACAGTCATCTGTCCATCAGATGACTCCCAGCTCTTCCTACGGTTTGCAGACTTCCCAGGT-3'
Protein context (NP_005111.2, residues 1913-1933): QQLQQSQGML[Gly1923Val]QSSVHQMTPS